The following is an entry in ClinVar:

NM_080722.4(ADAMTS14):c.1290G>A (p.Gln430=)

Gene: ADAMTS14 (ADAM metallopeptidase with thrombospondin type 1 motif 14; plus strand). Cytogenetic location: 10q22.1.
Variant type: single nucleotide variant.
Coding change: c.1290G>A on transcript NM_080722.4 (MANE Select); coding-DNA position 1290, G replaced by A.
Protein change: p.Gln430=; no amino-acid change (glutamine 430 retained).
Molecular consequence: synonymous variant.
Genome position (GRCh38, 1-based): chr10:70,733,966, G>A. VCF-style: chr10-70733966-G-A. GRCh37 (hg19) VCF-style: chr10-72493722-G-A.
Other names: c.1299G>A, p.Gln433= (NM_139155.3).
Identifiers: ClinVar variation 2640558 (VCV002640558.24), dbSNP rs1841736990, ClinGen allele CA470053039.

ClinVar aggregate classification (germline): Likely benign (1 of 4 stars; one submission).

Allele frequency attached by ClinVar (database versions not stated): TOPMed below 0.00001.

Submission:

CeGaT Center for Human Genetics Tuebingen
Classification: Likely benign. Last evaluated: 2022-12-01. Review status: criteria provided, single submitter. Criteria: CeGaT Center For Human Genetics Tuebingen Variant Classification Criteria Version 2. Collection method: clinical testing. Allele origin: germline. Affected: yes. Observed: 1 variant allele.
Comment: ADAMTS14: PM2:Supporting, BP4, BP7